The following is an entry in ClinVar:

ClinVar aggregate classification (germline): Pathogenic. Review status: criteria provided, multiple submitters, no conflicts (2 of 4 stars). 3 submissions from 3 submitters: Pathogenic (3). Last evaluated 2026-01-06.

Conditions:
Hyperinsulinemic hypoglycemia, familial, 1 (HHF1). Also called: Persistent hyperinsulinemic hypoglycemia of infancy; Persistent Hyperinsulinemia Hypoglycemia of Infancy; NESIDIOBLASTOSIS OF PANCREAS; HYPERINSULINISM, FAMILIAL, WITH PANCREATIC NESIDIOBLASTOSIS; HYPOGLYCEMIA, HYPERINSULINEMIC, OF INFANCY. Identifiers: Orphanet 276575, Orphanet 276598, MedGen C2931832, MONDO:0009734, OMIM 256450.

Allele frequency attached by ClinVar (database versions not stated): TOPMed below 0.00001; gnomAD 0.00001.

Submissions (3):

Labcorp Genetics (formerly Invitae), Labcorp
Classification: Pathogenic. Last evaluated: 2026-01-06. Review status: criteria provided, single submitter. Criteria: Invitae Variant Classification Sherloc (09022015). Collection method: clinical testing. Allele origin: germline.
Comment: This sequence change replaces alanine, which is neutral and non-polar, with threonine, which is neutral and polar, at codon 1457 of the ABCC8 protein (p.Ala1457Thr). This variant is not present in population databases (gnomAD no frequency). This missense change has been observed in individual(s) with autosomal dominant congenital hyperinsulinism and/or autosomal dominant early onset diabetes (PMID: 21536946, 27538677, 31464105). In at least one individual the variant was observed to be de novo. This variant is also known as A1458T. ClinVar contains an entry for this variant (Variation ID: 1065615). Invitae Evidence Modeling of protein sequence and biophysical properties (such as structural, functional, and spatial information, amino acid conservation, physicochemical variation, residue mobility, and thermodynamic stability) indicates that this missense variant is expected to disrupt ABCC8 protein function with a positive predictive value of 95%. Experimental studies have shown that this missense change affects ABCC8 function (PMID: 12627323, 21536946, 31464105). For these reasons, this variant has been classified as Pathogenic.

Genetic Services Laboratory, University of Chicago
Classification: Pathogenic. Last evaluated: 2021-10-04. Review status: criteria provided, single submitter. Criteria: ACMG Guidelines, 2015. Collection method: clinical testing. Allele origin: germline. Affected: yes.
Comment: DNA sequence analysis of the ABCC8 gene demonstrated a sequence change, c.4369G>A, in exon 36 that results in an amino acid change, p.Ala1457Thr. This sequence changed has not been described in the population databases such as ExAC and gnomAD (dbSNP rs72559717). The p.Ala1457Thr change affects a highly conserved amino acid residue located in a domain of the ABCC8 protein that is known to be functional. The p.Ala1457Thr sequence change has previously been described in the heterozygous state in a patient with ABCC8-related hyperinsulinism, inherited from the patient's unaffected father (PMID: 21536946). This sequence change has also been reported in the compound heterozygous state with a second ABCC8 sequence change in a patient with severe diazoxide unresponsive hyperinsulinism (PMID: 12627323). Functional studies provided evidence to suggest that this variant impairs normal function of the ABCC8 (SUR1) protein (PMID: 21536946). This sequence change has been reported in multiple patients who showed responsiveness to diazoxide and inherited the variant in an autosomal dominant manner (PMID: 31464105). Thus, the p.Ala1457Thr pathogenic sequence change may function in an autosomal dominant manner with reduced penetrance, and may also be associated with autosomal recessive disease.

Kasturba Medical College, Manipal, Kasturba Medical College, Manipal, Manipal Academy of Higher Education, Manipal, India
Classification: Pathogenic for Hyperinsulinemic hypoglycemia, familial, 1. Review status: criteria provided, single submitter. Criteria: ACMG Guidelines, 2015. Collection method: clinical testing. Allele origin: inherited. Inheritance: Autosomal dominant inheritance. Affected: yes.

Literature cited by the submitters: PubMed 21536946 (cited by Labcorp Genetics (formerly Invitae), Labcorp); PubMed 27538677 (cited by Labcorp Genetics (formerly Invitae), Labcorp); PubMed 31464105 (cited by Labcorp Genetics (formerly Invitae), Labcorp); PubMed 12627323 (cited by Labcorp Genetics (formerly Invitae), Labcorp).

NM_000352.6(ABCC8):c.4369G>A (p.Ala1457Thr)

Gene: ABCC8 (ATP binding cassette subfamily C member 8; minus strand). Cytogenetic location: 11p15.1.
Variant type: single nucleotide variant.
Coding change: c.4369G>A on transcript NM_000352.6 (MANE Select); coding-DNA position 4369, G replaced by A.
Protein change: p.Ala1457Thr; replaces alanine 1457 with threonine.
Molecular consequence: missense variant. On other transcripts: non-coding transcript variant (1).
Genome position (GRCh38, 1-based): chr11:17,395,214, C>T on the plus strand (G>A on the coding strand, the complement: ABCC8 is on the minus strand). VCF-style: chr11-17395214-C-T. GRCh37 (hg19) VCF-style: chr11-17416761-C-T.
Other names: c.4372G>A, p.Ala1458Thr (NM_001287174.3); c.4435G>A, p.Ala1479Thr (NM_001351295.2); c.4369G>A, p.Ala1457Thr (NM_001351296.2); c.4366G>A, p.Ala1456Thr (NM_001351297.2); c.4369G>A (NM_000352.4); short protein forms A1456T, A1457T, A1458T, A1479T.
Identifiers: ClinVar variation 1065615 (VCV001065615.11), dbSNP rs72559717, ClinGen allele CA218407557.